The following is an entry in ClinVar:

NM_021930.6(RINT1):c.690-3C>T

Gene: RINT1 (RAD50 interactor 1; plus strand). Cytogenetic location: 7q22.3.
Variant type: single nucleotide variant.
Coding change: c.690-3C>T on transcript NM_021930.6 (MANE Select); 3 bases into the intron before coding-DNA position 690, C replaced by T.
Molecular consequence: intron variant.
Genome position (GRCh38, 1-based): chr7:105,547,181, C>T. VCF-style: chr7-105547181-C-T. GRCh37 (hg19) VCF-style: chr7-105187628-C-T.
Other names: c.-330-3C>T (NM_001346600.2); c.-233-3C>T (NM_001346601.2); c.-27-2874C>T (NM_001346603.2); c.456-3C>T (NM_001346599.2).
Identifiers: ClinVar variation 1501696 (VCV001501696.6), dbSNP rs776404650, ClinGen allele CA1105477147.

ClinVar aggregate classification (germline): Uncertain significance (1 of 4 stars; one submission).

Allele frequency attached by ClinVar (database versions not stated): TOPMed below 0.00001; gnomAD 0.00001.
gnomAD v4.1: 1 of 1,614,076 alleles (0.000062%); highest among the groups gnomAD compares: Non-Finnish European, 0.000085%; no homozygotes.

Submission:

Labcorp Genetics (formerly Invitae), Labcorp
Classification: Uncertain significance. Last evaluated: 2021-01-16. Review status: criteria provided, single submitter. Criteria: Invitae Variant Classification Sherloc (09022015). Collection method: clinical testing. Allele origin: germline.
Comment: In summary, the available evidence is currently insufficient to determine the role of this variant in disease. Therefore, it has been classified as a Variant of Uncertain Significance. This sequence change falls in intron 5 of the RINT1 gene. It does not directly change the encoded amino acid sequence of the RINT1 protein. It affects a nucleotide within the consensus splice site of the intron. This variant is not present in population databases (ExAC no frequency). This variant has not been reported in the literature in individuals with RINT1-related conditions. Nucleotide substitutions within the consensus splice site are a relatively common cause of aberrant splicing (PMID: 17576681, 9536098). Algorithms developed to predict the effect of sequence changes on RNA splicing suggest that this variant is not likely to affect RNA splicing, but this prediction has not been confirmed by published transcriptional studies.

Literature cited by the submitters: PubMed 17576681; PubMed 9536098.